The following is an entry in ClinVar:

ClinVar aggregate classification (germline): Likely benign (1 of 4 stars; one submission).

Conditions:
ACACB-related disorder. Also called: ACACB-related condition.

gnomAD v4.1: 169 of 1,613,744 alleles (0.01%); highest among the groups gnomAD compares: African/African-American, 0.16%; no homozygotes.

Submission:

PreventionGenetics, part of Exact Sciences
Classification: Likely benign for ACACB-related condition. Last evaluated: 2025-01-27. Review status: criteria provided, single submitter. Criteria: ACMG Guidelines, 2015. Collection method: clinical testing. Allele origin: germline.
Comment: This variant is classified as likely benign based on ACMG/AMP sequence variant interpretation guidelines (Richards et al. 2015 PMID: 25741868, with internal and published modifications).

NM_001093.4(ACACB):c.6179C>T (p.Thr2060Met)

Gene: ACACB (acetyl-CoA carboxylase beta; plus strand). Cytogenetic location: 12q24.11.
Variant type: single nucleotide variant.
Coding change: c.6179C>T on transcript NM_001093.4 (MANE Select); coding-DNA position 6179, C replaced by T.
Protein change: p.Thr2060Met; replaces threonine 2060 with methionine.
Molecular consequence: missense variant.
Genome position (GRCh38, 1-based): chr12:109,256,152, C>T. VCF-style: chr12-109256152-C-T. GRCh37 (hg19) VCF-style: chr12-109693957-C-T.
Other names: c.6179C>T, p.Thr2060Met (NM_001412734.1, NM_001412735.1); c.5573C>T, p.Thr1858Met (NM_001412736.1); c.5552C>T, p.Thr1851Met (NM_001412737.1); c.5384C>T, p.Thr1795Met (NM_001412738.1); short protein forms T1795M, T1858M, T1851M, T2060M.
Identifiers: ClinVar variation 4982340 (VCV004982340.1).
Genomic context (GRCh38, chr12:109,256,152, plus strand): 5'-CCCAGCCACCTGGCCCTCCAGCCTGGGCTTCTGCCCTTCTGTCCACAGCTCTGAAGGGAA[C>T]GTGGCAGAGCGGATTCTTTGACCACGGCAGTTTCAAGGAAATCATGGCACCCTGGGCGCA-3'
Protein context (NP_001084.3, residues 2050-2070): AGRPHPTLKG[Thr2060Met]WQSGFFDHGS